The following is an entry in ClinVar:

NM_004380.3(CREBBP):c.5910G>T (p.Gln1970His)

Gene: CREBBP (CREB binding lysine acetyltransferase; minus strand). Cytogenetic location: 16p13.3.
Variant type: single nucleotide variant.
Coding change: c.5910G>T on transcript NM_004380.3 (MANE Select); coding-DNA position 5910, G replaced by T.
Protein change: p.Gln1970His; replaces glutamine 1970 with histidine.
Molecular consequence: missense variant.
Genome position (GRCh38, 1-based): chr16:3,729,137, C>A on the plus strand (G>T on the coding strand, the complement: CREBBP is on the minus strand). VCF-style: chr16-3729137-C-A. GRCh37 (hg19) VCF-style: chr16-3779138-C-A.
Other names: c.5796G>T, p.Gln1932His (NM_001079846.1); c.5910G>T (NM_004380.2); short protein forms Q1970H, Q1932H.
Identifiers: ClinVar variation 2892549 (VCV002892549.14), dbSNP rs749069343, ClinGen allele CA7869230.

ClinVar aggregate classification (germline): Conflicting classifications of pathogenicity. Review status: criteria provided, conflicting classifications (1 of 4 stars). 6 submissions from 6 submitters: Uncertain significance (3); Likely benign (2). 1 of the submissions does not count toward it. Last evaluated 2025-11-01.

Conditions:
Inborn genetic diseases. Identifiers: MedGen C0950123, MeSH D030342.
Rubinstein-Taybi syndrome due to CREBBP mutations (RSTS1). Also called: RUBINSTEIN-TAYBI SYNDROME 1, INCOMPLETE; BROAD THUMB-HALLUX SYNDROME; RUBINSTEIN SYNDROME; Rubinstein-Taybi syndrome 1; BROAD THUMBS AND GREAT TOES, CHARACTERISTIC FACIES, AND IMPAIRED INTELLECTUAL DEVELOPMENT; CREBBP-Related Rubinstein-Taybi Syndrome. Identifiers: Orphanet 353277, Orphanet 783, MedGen C4551859, MONDO:0008393, OMIM 180849.
Menke-Hennekam syndrome 1 (MKHK1). Identifiers: MedGen C5193034, MONDO:0020763, OMIM 618332.
Rubinstein-Taybi syndrome (RSTS). Identifiers: Orphanet 783, MedGen C0035934, MONDO:0019188.
CREBBP-related disorder. Also called: CREBBP-related condition; CREBBP-related disorders.

Allele frequency attached by ClinVar (database versions not stated): TOPMed below 0.00001; ExAC 0.00003.
gnomAD v4.1: 7 of 1,535,914 alleles (0.00046%); highest among the groups gnomAD compares: Non-Finnish European, 0.00052%; no homozygotes.

Submissions (6):

CeGaT Center for Human Genetics Tuebingen
Classification: Likely benign. Last evaluated: 2025-11-01. Review status: criteria provided, single submitter. Criteria: CeGaT Center For Human Genetics Tuebingen Variant Classification Criteria Version 2. Collection method: clinical testing. Allele origin: germline. Affected: yes. Observed: 1 variant allele.
Comment: CREBBP: PP2, BS2

Dasa
Classification: Uncertain significance for Menke-Hennekam syndrome 1. Last evaluated: 2025-10-15. Review status: criteria provided, single submitter. Criteria: DASA Assertion Criteria. Collection method: clinical testing. Allele origin: germline.
Comment: NM_004380.3(CREBBP):c.5910G>T (p.Gln1970His) is a missense variant that results in the substitution of glutamine with histidine. This variant is rare in population databases. The currently available literature and clinical evidence are not sufficient to establish a definitive association between this variant and the reported condition. Therefore, this variant is classified as a variant of uncertain significance.

Ambry Genetics
Classification: Uncertain significance for Inborn genetic diseases. Last evaluated: 2025-08-13. Review status: criteria provided, single submitter. Criteria: Ambry Variant Classification Scheme 2023. Collection method: clinical testing. Allele origin: germline.

Labcorp Genetics (formerly Invitae), Labcorp
Classification: Likely benign for Rubinstein-Taybi syndrome. Last evaluated: 2025-03-05. Review status: criteria provided, single submitter. Criteria: Invitae Variant Classification Sherloc (09022015). Collection method: clinical testing. Allele origin: germline.

Fulgent Genetics
Classification: Uncertain significance for Rubinstein-Taybi syndrome due to CREBBP mutations; Menke-Hennekam syndrome 1. Last evaluated: 2024-06-12. Review status: criteria provided, single submitter. Criteria: ACMG Guidelines, 2015. Collection method: clinical testing. Allele origin: germline.

PreventionGenetics, part of Exact Sciences
Classification: Uncertain significance for CREBBP-related condition. Last evaluated: 2024-04-05. Review status: no assertion criteria provided. Collection method: clinical testing. Allele origin: germline. Not counted in ClinVar's aggregate classification.
Comment: The CREBBP c.5910G>T variant is predicted to result in the amino acid substitution p.Gln1970His. To our knowledge, this variant has not been reported in the literature. This variant is reported in 0.0039% of alleles in individuals of European (Non-Finnish) descent in gnomAD. At this time, the clinical significance of this variant is uncertain due to the absence of conclusive functional and genetic evidence.